The following is an entry in ClinVar:

NM_138694.4(PKHD1):c.831_836del (p.277IT[1])

Gene: PKHD1 (PKHD1 ciliary IPT domain containing fibrocystin/polyductin; minus strand). Cytogenetic location: 6p12.2.
Variant type: Deletion.
Coding change: c.831_836del on transcript NM_138694.4 (MANE Select); coding-DNA positions 831 to 836, 6 bases deleted (CACAAT; older notation c.831_836delCACAAT).
Protein change: p.277IT[1].
Molecular consequence: inframe deletion.
Genome position (GRCh38, 1-based): chr6:52,066,020-52,066,025, ATTGTG deleted on the plus strand (CACAAT on the coding strand, the reverse complement: PKHD1 is on the minus strand); deleting any 6 consecutive bases within chr6:52,066,020-52,066,027 gives the same sequence; the c. name uses the placement nearest the transcript's 3' end. VCF-style (leftmost placement, unchanged base first): chr6-52066019-AATTGTG-A. GRCh37 (hg19) VCF-style: chr6-51930817-AATTGTG-A.
Other names: c.831_836delCACAAT (NM_138694.4); c.831_836del, p.277IT[1] (NM_170724.3).
Identifiers: ClinVar variation 1691713 (VCV001691713.2), dbSNP rs2533507412, ClinGen allele CA2578645829.

ClinVar aggregate classification (germline): Conflicting classifications of pathogenicity. Review status: criteria provided, conflicting classifications (1 of 4 stars). 2 submissions from 2 submitters: Pathogenic (1); Uncertain significance (1). Last evaluated 2026-05-14.

Conditions:
Polycystic kidney disease 4 (PKD4). Also called: POLYCYSTIC KIDNEY DISEASE 4 WITH OR WITHOUT POLYCYSTIC LIVER DISEASE; POLYCYSTIC KIDNEY AND HEPATIC DISEASE 1; POLYCYSTIC KIDNEY DISEASE, INFANTILE, TYPE I; PKD3; Autosomal Recessive Polycystic Kidney Disease – PKHD1. Identifiers: MedGen C4540575, MONDO:0033004, OMIM 263200.

Submissions (2):

Women's Health and Genetics/Laboratory Corporation of America, LabCorp
Classification: Uncertain significance. Last evaluated: 2026-05-14. Review status: criteria provided, single submitter. Criteria: LabCorp Variant Classification Summary - May 2015. Collection method: clinical testing. Allele origin: germline.
Comment: Variant summary: PKHD1 c.831_836delCACAAT (p.Ile279_Thr280del) results in an in-frame deletion that is predicted to remove 2 amino acids from the encoded protein. The variant was absent in 251348 control chromosomes. The available data on variant occurrences in the general population are insufficient to allow any conclusion about variant significance. c.831_836delCACAAT has been observed in the presumed compound heterozygous state in at least 2 individual(s) affected with Polycystic Kidney And Hepatic Disease or undergoing exome testing, with molecular diagnosis (example, Ling_2015, Rips_2024). These data do not allow any conclusion about variant significance. To our knowledge, no experimental evidence demonstrating an impact on protein function has been reported. The following publications have been ascertained in the context of this evaluation (PMID: 25250579, 38193396). ClinVar contains an entry for this variant (Variation ID: 1691713). Based on the evidence outlined above, the variant was classified as uncertain significance.

Hadassah Hebrew University Medical Center
Classification: Pathogenic for Polycystic kidney disease 4. Last evaluated: 2022-04-17. Review status: criteria provided, single submitter. Criteria: ACMG Guidelines, 2015. Collection method: clinical testing. Allele origin: germline. Affected: yes.

Literature cited by the submitters: PubMed 38193396 (cited by Women's Health and Genetics/Laboratory Corporation of America, LabCorp); PubMed 25250579 (cited by Women's Health and Genetics/Laboratory Corporation of America, LabCorp).